The following is an entry in ClinVar:

ClinVar aggregate classification (germline): Conflicting classifications of pathogenicity. Review status: criteria provided, conflicting classifications (1 of 4 stars). 6 submissions from 6 submitters: Uncertain significance (2); Likely benign (3). 1 of the submissions does not count toward it. Last evaluated 2026-01-25.

Conditions:
DCAF17-related disorder. Also called: DCAF17-related condition.
Inborn genetic diseases. Identifiers: MedGen C0950123, MeSH D030342.
Woodhouse-Sakati syndrome. Also called: EXTRAPYRAMIDAL DISORDER, PROGRESSIVE, WITH PRIMARY HYPOGONADISM, MENTAL RETARDATION, AND ALOPECIA; Hypogonadism, Alopecia, Diabetes Mellitus, Mental Retardation, and Extrapyramidal Syndrome; Hypogonadism, diabetes mellitus, alopecia, mental retardation and electrocardiographic abnormalities. Identifiers: Orphanet 3464, MedGen C0342286, MONDO:0009419, OMIM 241080.

Allele frequency attached by ClinVar (database versions not stated): gnomAD exomes 0.00014 and 0.00028; gnomAD 0.00021 and 0.00022; TOPMed 0.00023; ExAC 0.00027; ESP Exome Variant Server 0.00034.
gnomAD v4.1: 266 of 1,612,228 alleles (0.016%); highest among the groups gnomAD compares: Admixed American, 0.01%; no homozygotes.

Submissions (6):

Labcorp Genetics (formerly Invitae), Labcorp
Classification: Likely benign for Woodhouse-Sakati syndrome. Last evaluated: 2026-01-25. Review status: criteria provided, single submitter. Criteria: Invitae Variant Classification Sherloc (09022015). Collection method: clinical testing. Allele origin: germline.

GeneDx
Classification: Uncertain significance. Last evaluated: 2025-04-29. Review status: criteria provided, single submitter. Criteria: GeneDx Variant Classification Process June 2021. Collection method: clinical testing. Allele origin: germline. Affected: yes.
Comment: In silico analysis indicates that this missense variant does not alter protein structure/function; Has not been previously published as pathogenic or benign to our knowledge

CeGaT Center for Human Genetics Tuebingen
Classification: Likely benign. Last evaluated: 2024-03-01. Review status: criteria provided, single submitter. Criteria: CeGaT Center For Human Genetics Tuebingen Variant Classification Criteria Version 2. Collection method: clinical testing. Allele origin: germline. Affected: yes. Observed: 3 variant alleles.
Comment: DCAF17: BP4

Ambry Genetics
Classification: Likely benign for Inborn genetic diseases. Last evaluated: 2022-03-10. Review status: criteria provided, single submitter. Criteria: Ambry Variant Classification Scheme 2023. Collection method: clinical testing. Allele origin: germline.

Illumina Laboratory Services, Illumina
Classification: Uncertain significance for Woodhouse-Sakati syndrome. Last evaluated: 2018-01-13. Review status: criteria provided, single submitter. Criteria: ICSL Variant Classification Criteria 13 December 2019. Collection method: clinical testing. Allele origin: germline.

PreventionGenetics, part of Exact Sciences
Classification: Likely benign for DCAF17-related condition. Last evaluated: 2019-06-05. Review status: no assertion criteria provided. Collection method: clinical testing. Allele origin: germline. Not counted in ClinVar's aggregate classification.
Comment: This variant is classified as likely benign based on ACMG/AMP sequence variant interpretation guidelines (Richards et al. 2015 PMID: 25741868, with internal and published modifications).

NM_025000.4(DCAF17):c.533G>A (p.Arg178Gln)

Gene: DCAF17 (DDB1 and CUL4 associated factor 17; plus strand). Cytogenetic location: 2q31.1.
Variant type: single nucleotide variant.
Coding change: c.533G>A on transcript NM_025000.4 (MANE Select); coding-DNA position 533, G replaced by A.
Protein change: p.Arg178Gln; replaces arginine 178 with glutamine.
Molecular consequence: missense variant. On other transcripts: non-coding transcript variant (1).
Genome position (GRCh38, 1-based): chr2:171,449,953, G>A. VCF-style: chr2-171449953-G-A. GRCh37 (hg19) VCF-style: chr2-172306463-G-A.
Other names: c.533G>A, p.Arg178Gln (NM_001164821.2); short protein forms R178Q.
Identifiers: ClinVar variation 332265 (VCV000332265.63), dbSNP rs202231211, ClinGen allele CA1964692.
Genomic context (GRCh38, chr2:171,449,953, plus strand): 5'-ACACTCCTCAAGAAGTCATTGCAGTTAAGTCAGCTCAGAACAGAGGCTCAGCAGTGGCCC[G>A]GCAGGTATACATATTTAAACATTCAATAAAATGAAGACTCTTTTTCATAGGAATTTGTCT-3'
Protein context (NP_079276.2, residues 168-188): SAQNRGSAVA[Arg178Gln]QAGIQQHVLL